The following is an entry in ClinVar:

ClinVar aggregate classification (germline): Uncertain significance. Review status: criteria provided, multiple submitters, no conflicts (2 of 4 stars). 2 submissions from 2 submitters: Uncertain significance (2). Last evaluated 2025-05-04.

Allele frequency attached by ClinVar (database versions not stated): gnomAD exomes 0.00003; gnomAD 0.00004 and 0.00005; TOPMed 0.00004; ExAC 0.00005; ESP Exome Variant Server 0.00008.

Submissions (2):

Ambry Genetics
Classification: Uncertain significance. Last evaluated: 2025-05-04. Review status: criteria provided, single submitter. Criteria: Ambry Variant Classification Scheme 2023. Collection method: clinical testing. Allele origin: germline.

Labcorp Genetics (formerly Invitae), Labcorp
Classification: Uncertain significance. Last evaluated: 2024-10-16. Review status: criteria provided, single submitter. Criteria: Invitae Variant Classification Sherloc (09022015). Collection method: clinical testing. Allele origin: germline.
Comment: This sequence change replaces arginine, which is basic and polar, with cysteine, which is neutral and slightly polar, at codon 122 of the LIG1 protein (p.Arg122Cys). The frequency data for this variant in the population databases is considered unreliable, as metrics indicate poor data quality at this position in the gnomAD database. This variant has not been reported in the literature in individuals affected with LIG1-related conditions. ClinVar contains an entry for this variant (Variation ID: 1443183). An algorithm developed to predict the effect of missense changes on protein structure and function (PolyPhen-2) suggests that this variant is likely to be disruptive. In summary, the available evidence is currently insufficient to determine the role of this variant in disease. Therefore, it has been classified as a Variant of Uncertain Significance.

NM_000234.3(LIG1):c.364C>T (p.Arg122Cys)

Gene: LIG1 (DNA ligase 1; minus strand). Cytogenetic location: 19q13.33.
Variant type: single nucleotide variant.
Coding change: c.364C>T on transcript NM_000234.3 (MANE Select); coding-DNA position 364, C replaced by T.
Protein change: p.Arg122Cys; replaces arginine 122 with cysteine.
Molecular consequence: missense variant. On other transcripts: non-coding transcript variant (6).
Genome position (GRCh38, 1-based): chr19:48,157,020, G>A on the plus strand (C>T on the coding strand, the complement: LIG1 is on the minus strand). VCF-style: chr19-48157020-G-A. GRCh37 (hg19) VCF-style: chr19-48660277-G-A.
Other names: c.364C>T, p.Arg122Cys (NM_001289064.2, NM_001320970.2); c.274C>T, p.Arg92Cys (NM_001320971.2, NM_001289063.2); c.364C>T (NM_000234.1); short protein forms R122C, R92C.
Identifiers: ClinVar variation 1443183 (VCV001443183.8), dbSNP rs372022915, ClinGen allele CA9547339.